The following is an entry in ClinVar:

NM_030662.4(MAP2K2):c.984+5G>A

Gene: MAP2K2 (mitogen-activated protein kinase kinase 2; minus strand). Cytogenetic location: 19p13.3.
Variant type: single nucleotide variant.
Coding change: c.984+5G>A on transcript NM_030662.4 (MANE Select); 5 bases into the intron after coding-DNA position 984, G replaced by A.
Molecular consequence: intron variant.
Genome position (GRCh38, 1-based): chr19:4,097,274, C>T on the plus strand (G>A on the coding strand, the complement: MAP2K2 is on the minus strand). VCF-style: chr19-4097274-C-T. GRCh37 (hg19) VCF-style: chr19-4097272-C-T.
Identifiers: ClinVar variation 3767596 (VCV003767596.1).

ClinVar aggregate classification (germline): Uncertain significance (1 of 4 stars; one submission).

Submission:

GeneDx
Classification: Uncertain significance. Last evaluated: 2024-09-05. Review status: criteria provided, single submitter. Criteria: GeneDx Variant Classification Process June 2021. Collection method: clinical testing. Allele origin: germline. Affected: yes.
Comment: Has not been previously published as pathogenic or benign to our knowledge; Not observed at significant frequency in large population cohorts (gnomAD); In silico analysis is inconclusive as to whether the variant alters gene splicing. In the absence of RNA/functional studies, the actual effect of this sequence change is unknown.